The following is an entry in ClinVar:

ClinVar aggregate classification (germline): Uncertain significance (1 of 4 stars; one submission).

Submission:

Mayo Clinic Laboratories, Mayo Clinic
Classification: Uncertain significance. Last evaluated: 2025-07-20. Review status: criteria provided, single submitter. Criteria: ACMG Guidelines, 2015. Collection method: clinical testing. Allele origin: germline. Observed: 1 variant allele.
Comment: PM2_supporting, PVS1_strong

NM_016065.4(MRPS16):c.20_21del (p.Leu7fs)

Genes: DNAJC9-AS1 (DNAJC9 and MRPS16 antisense RNA 1; plus strand), MRPS16 (mitochondrial ribosomal protein S16; minus strand). Cytogenetic location: 10q22.2.
Variant type: Microsatellite.
Coding change: c.20_21del on transcript NM_016065.4 (MANE Select); coding-DNA positions 20 to 21, 2 bases deleted (TC; older notation c.20_21delTC).
Protein change: p.Leu7fs; shifts the reading frame from leucine 7.
Molecular consequence: frameshift variant.
Genome position (GRCh38, 1-based): chr10:73,252,016-73,252,017, GA deleted on the plus strand (TC on the coding strand, the reverse complement: MRPS16 is on the minus strand); deleting any 2 consecutive bases within chr10:73,252,016-73,252,020 gives the same sequence; the c. name uses the placement nearest the transcript's 3' end. VCF-style (leftmost placement, unchanged base first): chr10-73252015-GGA-G. GRCh37 (hg19) VCF-style: chr10-75011773-GGA-G.
Other names: p.Leu7Profs*48; c.20_21del, p.Leu7fs (NM_001410935.1); short protein forms L7fs.
Identifiers: ClinVar variation 4541551 (VCV004541551.1).